The following is an entry in ClinVar:

ClinVar aggregate classification (germline): Likely benign (1 of 4 stars; one submission).

Allele frequency attached by ClinVar (database versions not stated): gnomAD exomes 0.00002 and 0.00003; ExAC 0.00003; gnomAD 0.00007; TOPMed 0.00008.
gnomAD v4.1: 48 of 1,613,472 alleles (0.003%); highest among the groups gnomAD compares: Middle Eastern, 0.13%; no homozygotes.

Submission:

CeGaT Center for Human Genetics Tuebingen
Classification: Likely benign. Last evaluated: 2022-10-01. Review status: criteria provided, single submitter. Criteria: CeGaT Center For Human Genetics Tuebingen Variant Classification Criteria Version 2. Collection method: clinical testing. Allele origin: germline. Affected: yes. Observed: 2 variant alleles.
Comment: COPB1: BP4, BP7

NM_001144061.2(COPB1):c.2265T>C (p.Asn755=)

Gene: COPB1 (coat protein complex I subunit beta 1; minus strand). Cytogenetic location: 11p15.2.
Variant type: single nucleotide variant.
Coding change: c.2265T>C on transcript NM_001144061.2 (MANE Select); coding-DNA position 2265, T replaced by C.
Protein change: p.Asn755=; no amino-acid change (asparagine 755 retained).
Molecular consequence: synonymous variant.
Genome position (GRCh38, 1-based): chr11:14,466,307, A>G on the plus strand (T>C on the coding strand, the complement: COPB1 is on the minus strand). VCF-style: chr11-14466307-A-G. GRCh37 (hg19) VCF-style: chr11-14487853-A-G.
Other names: c.2265T>C, p.Asn755= (NM_001144062.2, NM_016451.5).
Identifiers: ClinVar variation 1694632 (VCV001694632.31), dbSNP rs775766548, ClinGen allele CA5894661.
Genomic context (GRCh38, chr11:14,466,307, plus strand): 5'-TGACAATCTCTTTCCTGAATGGTAAGTTTCCTCACCTAGTGTAGCTAGTTCTAATGTGCA[A>G]TTCTGCAAAGTATCACTGGTTTGGTTCACAACAAGTACATCCAGGACAATATCATATTGG-3'
Protein context (NP_001137533.1, residues 745-765): VVNQTSDTLQ[Asn755=]CTLELATLGD